The following is an entry in ClinVar:

NM_000048.4(ASL):c.531C>A (p.Ala177=)

Gene: ASL (argininosuccinate lyase; plus strand). Cytogenetic location: 7q11.21.
Variant type: single nucleotide variant.
Coding change: c.531C>A on transcript NM_000048.4 (MANE Select); coding-DNA position 531, C replaced by A.
Protein change: p.Ala177=; no amino-acid change (alanine 177 retained).
Molecular consequence: synonymous variant. On other transcripts: intron variant (1).
Genome position (GRCh38, 1-based): chr7:66,086,750, C>A. VCF-style: chr7-66086750-C-A. GRCh37 (hg19) VCF-style: chr7-65551737-C-A.
Other names: c.531C>A, p.Ala177= (NM_001024943.2, NM_001024944.2); c.524+88C>A (NM_001024946.2).
Identifiers: ClinVar variation 706012 (VCV000706012.14), dbSNP rs201974677, ClinGen allele CA4277002.
Genomic context (GRCh38, chr7:66,086,750, plus strand): 5'-GCTAGAGGGGAGGACCCCGGCTGCCCTGACCCTCCTGCCCCTGGCTTCCCACAGCCACGC[C>A]GTGGCACTGACCCGAGACTCTGAGCGGCTGCTGGAGGTGCGGAAGCGGATCAATGTCCTG-3'
Protein context (NP_000039.2, residues 167-187): IRWSHWILSH[Ala177=]VALTRDSERL

ClinVar aggregate classification (germline): Likely benign. Review status: criteria provided, multiple submitters, no conflicts (2 of 4 stars). 2 submissions from 2 submitters: Likely benign (2). Last evaluated 2025-12-15.

Conditions:
Argininosuccinate lyase deficiency. Also called: ARGININOSUCCINIC ACID LYASE DEFICIENCY; ASL DEFICIENCY; Argininosuccinic aciduria. Identifiers: Orphanet 23, MedGen C0268547, MONDO:0008815, OMIM 207900, HP:0025630.

Allele frequency attached by ClinVar (database versions not stated): TOPMed 0.00002; 1000 Genomes Project 30x 0.00047; 1000 Genomes Project 0.00060.
gnomAD v4.1: 109 of 1,605,870 alleles (0.0068%); highest among the groups gnomAD compares: East Asian, 0.23%; no homozygotes.

Submissions (2):

Labcorp Genetics (formerly Invitae), Labcorp
Classification: Likely benign for Argininosuccinate lyase deficiency. Last evaluated: 2025-12-15. Review status: criteria provided, single submitter. Criteria: Invitae Variant Classification Sherloc (09022015). Collection method: clinical testing. Allele origin: germline.

Illumina Laboratory Services, Illumina
Classification: Likely benign for Argininosuccinate lyase deficiency. Last evaluated: 2017-04-27. Review status: criteria provided, single submitter. Criteria: ICSL Variant Classification Criteria 13 December 2019. Collection method: clinical testing. Allele origin: germline.
Comment: This variant was observed as part of a predisposition screen in an ostensibly healthy population. A literature search was performed for the gene, cDNA change, and amino acid change (where applicable). No publications were found based on this search. Allele frequency data from public databases allowed determination this variant is unlikely to cause disease. Therefore, this variant is classified as likely benign.